The following is an entry in ClinVar:

NM_001130438.3(SPTAN1):c.6139C>G (p.Gln2047Glu)

Gene: SPTAN1 (spectrin alpha, non-erythrocytic 1; plus strand). Cytogenetic location: 9q34.11.
Variant type: single nucleotide variant.
Coding change: c.6139C>G on transcript NM_001130438.3 (MANE Select); coding-DNA position 6139, C replaced by G.
Protein change: p.Gln2047Glu; replaces glutamine 2047 with glutamic acid.
Molecular consequence: missense variant.
Genome position (GRCh38, 1-based): chr9:128,625,838, C>G. VCF-style: chr9-128625838-C-G. GRCh37 (hg19) VCF-style: chr9-131388117-C-G.
Other names: c.6079C>G, p.Gln2027Glu (NM_001363765.2, NM_001375314.2); c.6139C>G, p.Gln2047Glu (NM_001375310.1, NM_001375311.2, NM_001375313.1 and 1 more transcripts); c.6175C>G, p.Gln2059Glu (NM_001375312.2, NM_001375318.1); c.6124C>G, p.Gln2042Glu (NM_003127.4); c.6064C>G, p.Gln2022Glu (NM_001195532.2); short protein forms Q2022E, Q2027E, Q2042E, Q2047E, Q2059E.
Identifiers: ClinVar variation 1704044 (VCV001704044.2), dbSNP rs2542189205, ClinGen allele CA375086367.

ClinVar aggregate classification (germline): Uncertain significance (1 of 4 stars; one submission).

gnomAD v4.1: 1 of 1,614,210 alleles (0.000062%); highest among the groups gnomAD compares: Non-Finnish European, 0.000085%; no homozygotes.

Submission:

GeneDx
Classification: Uncertain significance. Last evaluated: 2022-03-03. Review status: criteria provided, single submitter. Criteria: GeneDx Variant Classification Process June 2021. Collection method: clinical testing. Allele origin: germline. Affected: yes.
Comment: Not observed at significant frequency in large population cohorts (gnomAD); In silico analysis supports that this missense variant does not alter protein structure/function; Has not been previously published as pathogenic or benign to our knowledge